The following is an entry in ClinVar:

NM_002206.3(ITGA7):c.1888-133A>G

Gene: ITGA7 (integrin subunit alpha 7; minus strand). Cytogenetic location: 12q13.2.
Variant type: single nucleotide variant.
Coding change: c.1888-133A>G on transcript NM_002206.3 (MANE Select); 133 bases into the intron before coding-DNA position 1888, A replaced by G.
Molecular consequence: intron variant.
Genome position (GRCh38, 1-based): chr12:55,695,770, T>C on the plus strand (A>G on the coding strand, the complement: ITGA7 is on the minus strand). VCF-style: chr12-55695770-T-C. GRCh37 (hg19) VCF-style: chr12-56089554-T-C.
Other names: c.1609-133A>G (NM_001144997.2); c.1561-133A>G (NM_001367993.1); c.1549-133A>G (NM_001414035.1); c.1705-133A>G (NM_001414033.1); c.544-133A>G (NM_001367994.1); c.1768-133A>G (NM_001414032.1); c.1801-133A>G (NM_001414031.1); c.1870-133A>G (NM_001374465.1); and 5 more.
Identifiers: ClinVar variation 682021 (VCV000682021.2), dbSNP rs2293411, ClinGen allele CA15759714.

ClinVar aggregate classification (germline): Benign. Review status: criteria provided, multiple submitters, no conflicts (2 of 4 stars). 2 submissions from 2 submitters: Benign (2). Last evaluated 2018-06-14.

Allele frequency attached by ClinVar (database versions not stated): gnomAD exomes 0.58169; gnomAD 0.59057 and 0.59848; TOPMed 0.59845; 1000 Genomes Project 30x 0.69753; 1000 Genomes Project 0.70447.
gnomAD v4.1: 400,674 of 685,376 alleles (58%); highest among the groups gnomAD compares: East Asian, 94%; 122,436 homozygotes.

Submissions (2):

GeneDx
Classification: Benign. Last evaluated: 2018-06-14. Review status: criteria provided, single submitter. Criteria: GeneDx Variant Classification (06012015). Collection method: clinical testing. Allele origin: germline. Affected: yes.
Comment: This variant is considered likely benign or benign based on one or more of the following criteria: it is a conservative change, it occurs at a poorly conserved position in the protein, it is predicted to be benign by multiple in silico algorithms, and/or has population frequency not consistent with disease.

Breakthrough Genomics
Classification: Benign. Review status: criteria provided, single submitter. Criteria: ACMG Guidelines, 2015. Collection method: not provided. Allele origin: germline. Inheritance: Autosomal recessive inheritance. Affected: yes.